The following is an entry in ClinVar:

ClinVar aggregate classification (germline): Uncertain significance (1 of 4 stars; one submission).

Conditions:
Hereditary breast ovarian cancer syndrome. Also called: BRCA1- and BRCA2-Associated Hereditary Breast and Ovarian Cancer; Hereditary breast and ovarian cancer; Hereditary breast and/or ovarian cancer syndrome; Hereditary breast and ovarian cancer syndrome; Hereditary breast and ovarian cancer syndrome (HBOC); Breast and ovarian cancer. Identifiers: Orphanet 145, MedGen C0677776, MeSH D061325, MONDO:0003582. Disease mechanism: loss of function.

Allele frequency attached by ClinVar (database versions not stated): TOPMed below 0.00001.

Submission:

Labcorp Genetics (formerly Invitae), Labcorp
Classification: Uncertain significance for Hereditary breast ovarian cancer syndrome. Last evaluated: 2023-01-12. Review status: criteria provided, single submitter. Criteria: Invitae Variant Classification Sherloc (09022015). Collection method: clinical testing. Allele origin: germline.
Comment: This sequence change replaces alanine, which is neutral and non-polar, with glycine, which is neutral and non-polar, at codon 3186 of the BRCA2 protein (p.Ala3186Gly). In summary, the available evidence is currently insufficient to determine the role of this variant in disease. Therefore, it has been classified as a Variant of Uncertain Significance. Advanced modeling of protein sequence and biophysical properties (such as structural, functional, and spatial information, amino acid conservation, physicochemical variation, residue mobility, and thermodynamic stability) performed at Invitae indicates that this missense variant is not expected to disrupt BRCA2 protein function. ClinVar contains an entry for this variant (Variation ID: 1360372). This variant has not been reported in the literature in individuals affected with BRCA2-related conditions. This variant is not present in population databases (gnomAD no frequency).

NM_000059.4(BRCA2):c.9557C>G (p.Ala3186Gly)

Gene: BRCA2 (BRCA2 DNA repair associated; plus strand). Cytogenetic location: 13q13.1.
Variant type: single nucleotide variant.
Coding change: c.9557C>G on transcript NM_000059.4 (MANE Select); coding-DNA position 9557, C replaced by G.
Protein change: p.Ala3186Gly; replaces alanine 3186 with glycine.
Molecular consequence: missense variant.
Genome position (GRCh38, 1-based): chr13:32,396,953, C>G. VCF-style: chr13-32396953-C-G. GRCh37 (hg19) VCF-style: chr13-32971090-C-G.
Other names: short protein forms A3186G.
Identifiers: ClinVar variation 1360372 (VCV001360372.8), dbSNP rs2073040815, ClinGen allele CA387763239.